The following is an entry in ClinVar:

NM_001103.4(ACTN2):c.1338G>A (p.Ala446=)

Gene: ACTN2 (actinin alpha 2; plus strand). Cytogenetic location: 1q43.
Variant type: single nucleotide variant.
Coding change: c.1338G>A on transcript NM_001103.4 (MANE Select); coding-DNA position 1338, G replaced by A.
Protein change: p.Ala446=; no amino-acid change (alanine 446 retained).
Molecular consequence: synonymous variant.
Genome position (GRCh38, 1-based): chr1:236,744,708, G>A. VCF-style: chr1-236744708-G-A. GRCh37 (hg19) VCF-style: chr1-236908008-G-A.
Other names: c.1338G>A, p.Ala446= (NM_001278343.2); c.714G>A, p.Ala238= (NM_001278344.2).
Identifiers: ClinVar variation 43901 (VCV000043901.16), dbSNP rs397516566, ClinGen allele CA133122.

ClinVar aggregate classification (germline): Likely benign. Review status: criteria provided, multiple submitters, no conflicts (2 of 4 stars). 4 submissions from 4 submitters: Likely benign (4). Last evaluated 2025-11-27.

Conditions:
Cardiovascular phenotype. Identifiers: MedGen CN230736.
Dilated cardiomyopathy 1AA (CMD1AA). Also called: CARDIOMYOPATHY, DILATED, 1AA, WITH OR WITHOUT LEFT VENTRICULAR NONCOMPACTION; CARDIOMYOPATHY, FAMILIAL HYPERTROPHIC, 23, WITH OR WITHOUT LEFT VENTRICULAR NONCOMPACTION; Cardiomyopathy, dilated, 1AA, with or without LVNC. Identifiers: Orphanet 154, MedGen C2677338, MONDO:0012808, OMIM 612158.
Primary familial hypertrophic cardiomyopathy (HCM). Identifiers: Orphanet 99739, MedGen C0949658, MeSH D024741, MONDO:0024573. Inheritance: Various modes of inheritance.

Allele frequency attached by ClinVar (database versions not stated): gnomAD 0.00001; TOPMed 0.00001; ExAC 0.00004; gnomAD exomes 0.00006.
gnomAD v4.1: 40 of 1,614,054 alleles (0.0025%); highest among the groups gnomAD compares: Admixed American, 0.0083%; no homozygotes.

Submissions (4):

Labcorp Genetics (formerly Invitae), Labcorp
Classification: Likely benign for Primary familial hypertrophic cardiomyopathy; Dilated cardiomyopathy 1AA. Last evaluated: 2025-11-27. Review status: criteria provided, single submitter. Criteria: Invitae Variant Classification Sherloc (09022015). Collection method: clinical testing. Allele origin: germline.

Blueprint Genetics
Classification: Likely benign. Last evaluated: 2023-08-28. Review status: criteria provided, single submitter. Criteria: ACMG Guidelines, 2015. Collection method: clinical testing. Allele origin: germline.

Ambry Genetics
Classification: Likely benign for Cardiovascular phenotype. Last evaluated: 2017-04-15. Review status: criteria provided, single submitter. Criteria: Ambry Variant Classification Scheme 2023. Collection method: clinical testing. Allele origin: germline.

Laboratory for Molecular Medicine, Mass General Brigham Personalized Medicine
Classification: Likely benign. Last evaluated: 2011-08-22. Review status: criteria provided, single submitter. Criteria: LMM Criteria. Collection method: clinical testing. Allele origin: germline. Observed: 2 variant alleles.
Comment: Ala446Ala in exon 12 of ACTN2: This variant is not expected to have clinical si gnificance because it does not alter an amino acid residue and is not located ne ar a splice junction.